The following is an entry in ClinVar:

NM_003718.5(CDK13):c.4337G>A (p.Gly1446Glu)

Gene: CDK13 (cyclin dependent kinase 13; plus strand). Cytogenetic location: 7p14.1.
Variant type: single nucleotide variant.
Coding change: c.4337G>A on transcript NM_003718.5 (MANE Select); coding-DNA position 4337, G replaced by A.
Protein change: p.Gly1446Glu; replaces glycine 1446 with glutamic acid.
Molecular consequence: missense variant.
Genome position (GRCh38, 1-based): chr7:40,094,778, G>A. VCF-style: chr7-40094778-G-A. GRCh37 (hg19) VCF-style: chr7-40134377-G-A.
Other names: c.4157G>A, p.Gly1386Glu (NM_031267.4); short protein forms G1446E, G1386E.
Identifiers: ClinVar variation 4769514 (VCV004769514.1).

ClinVar aggregate classification (germline): Uncertain significance (1 of 4 stars; one submission).

Submission:

Labcorp Genetics (formerly Invitae), Labcorp
Classification: Uncertain significance. Last evaluated: 2025-07-09. Review status: criteria provided, single submitter. Criteria: Invitae Variant Classification Sherloc (09022015). Collection method: clinical testing. Allele origin: germline.
Comment: This sequence change replaces glycine, which is neutral and non-polar, with glutamic acid, which is acidic and polar, at codon 1446 of the CDK13 protein (p.Gly1446Glu). This variant is not present in population databases (gnomAD no frequency). This variant has not been reported in the literature in individuals affected with CDK13-related conditions. Invitae Evidence Modeling of protein sequence and biophysical properties (such as structural, functional, and spatial information, amino acid conservation, physicochemical variation, residue mobility, and thermodynamic stability) indicates that this missense variant is not expected to disrupt CDK13 protein function with a negative predictive value of 95%. In summary, the available evidence is currently insufficient to determine the role of this variant in disease. Therefore, it has been classified as a Variant of Uncertain Significance.